The following is an entry in ClinVar:

NM_206933.4(USH2A):c.9448T>A (p.Trp3150Arg)

Gene: USH2A (usherin; minus strand). Cytogenetic location: 1q41.
Variant type: single nucleotide variant.
Coding change: c.9448T>A on transcript NM_206933.4 (MANE Select); coding-DNA position 9448, T replaced by A.
Protein change: p.Trp3150Arg; replaces tryptophan 3150 with arginine.
Molecular consequence: missense variant.
Genome position (GRCh38, 1-based): chr1:215,817,119, A>T on the plus strand (T>A on the coding strand, the complement: USH2A is on the minus strand). VCF-style: chr1-215817119-A-T. GRCh37 (hg19) VCF-style: chr1-215990461-A-T.
Other names: short protein forms W3150R.
Identifiers: ClinVar variation 1375014 (VCV001375014.6), dbSNP rs1266573598, ClinGen allele CA344825069.

ClinVar aggregate classification (germline): Uncertain significance (1 of 4 stars; one submission).

Submission:

Labcorp Genetics (formerly Invitae), Labcorp
Classification: Uncertain significance. Last evaluated: 2024-10-25. Review status: criteria provided, single submitter. Criteria: Invitae Variant Classification Sherloc (09022015). Collection method: clinical testing. Allele origin: germline.
Comment: This sequence change replaces tryptophan, which is neutral and slightly polar, with arginine, which is basic and polar, at codon 3150 of the USH2A protein (p.Trp3150Arg). This variant is not present in population databases (gnomAD no frequency). This variant has not been reported in the literature in individuals affected with USH2A-related conditions. ClinVar contains an entry for this variant (Variation ID: 1375014). Invitae Evidence Modeling of protein sequence and biophysical properties (such as structural, functional, and spatial information, amino acid conservation, physicochemical variation, residue mobility, and thermodynamic stability) indicates that this missense variant is not expected to disrupt USH2A protein function with a negative predictive value of 95%. Algorithms developed to predict the effect of sequence changes on RNA splicing suggest that this variant may create or strengthen a splice site. In summary, the available evidence is currently insufficient to determine the role of this variant in disease. Therefore, it has been classified as a Variant of Uncertain Significance.